The following is an entry in ClinVar:

NM_138694.4(PKHD1):c.3140_3141del (p.Val1047fs)

Gene: PKHD1 (PKHD1 ciliary IPT domain containing fibrocystin/polyductin; minus strand). Cytogenetic location: 6p12.2.
Variant type: Deletion.
Coding change: c.3140_3141del on transcript NM_138694.4 (MANE Select); coding-DNA positions 3140 to 3141, 2 bases deleted (TT; older notation c.3140_3141delTT).
Protein change: p.Val1047fs; shifts the reading frame from valine 1047.
Molecular consequence: frameshift variant.
Genome position (GRCh38, 1-based): chr6:52,035,678-52,035,679, AA deleted on the plus strand (TT on the coding strand, the reverse complement: PKHD1 is on the minus strand). VCF-style (leftmost placement, unchanged base first): chr6-52035677-TAA-T. GRCh37 (hg19) VCF-style: chr6-51900475-TAA-T.
Other names: c.3140_3141del, p.Val1047fs (NM_170724.3); short protein forms V1047fs.
Identifiers: ClinVar variation 1725708 (VCV001725708.2), dbSNP rs2532925710, ClinGen allele CA2580075530.
Genomic context (GRCh38, chr6:52,035,677, plus strand): 5'-TGCTTGAATTGCTTGTAGCGACATTGATGGCACACGAGTAAGATCCAAATAATATCAGGC[TAA>T]CACCTTCCAAACTAGAGCCTCGGATGGTGGCCCAGAGCCCTCCTGTAACAAAAACAGCAT-3'

ClinVar aggregate classification (germline): Likely pathogenic (1 of 4 stars; one submission).

Conditions:
Polycystic kidney disease 4 (PKD4). Also called: POLYCYSTIC KIDNEY AND HEPATIC DISEASE 1; POLYCYSTIC KIDNEY DISEASE, INFANTILE, TYPE I; POLYCYSTIC KIDNEY DISEASE 4 WITH OR WITHOUT POLYCYSTIC LIVER DISEASE; PKD3; Autosomal Recessive Polycystic Kidney Disease – PKHD1. Identifiers: MedGen C4540575, MONDO:0033004, OMIM 263200.

Submission:

Myriad Genetics, Inc.
Classification: Likely pathogenic for Polycystic kidney disease 4. Last evaluated: 2022-03-31. Review status: criteria provided, single submitter. Criteria: Myriad Women's Health Autosomal Recessive and X-Linked Classification Criteria (2021). Collection method: clinical testing. Allele origin: unknown.
Comment: NM_138694.3(PKHD1):c.3140_3141delTT(V1047Efs*77) is expected to be pathogenic in the context of autosomal recessive polycystic kidney disease, PKHD1-related. This variant is predicted to lead to an abnormal or absent protein product due to the creation of a premature termination codon in PKHD1, a gene where loss-of-function variants are known to be pathogenic. Please note: this variant was assessed in the context of healthy population screening.